The following is an entry in ClinVar:

NM_000238.4(KCNH2):c.1834G>T (p.Val612Leu)

Gene: KCNH2 (potassium voltage-gated channel subfamily H member 2; minus strand). Cytogenetic location: 7q36.1.
Variant type: single nucleotide variant.
Coding change: c.1834G>T on transcript NM_000238.4 (MANE Select); coding-DNA position 1834, G replaced by T.
Protein change: p.Val612Leu; replaces valine 612 with leucine.
Molecular consequence: missense variant.
Genome position (GRCh38, 1-based): chr7:150,951,559, C>A on the plus strand (G>T on the coding strand, the complement: KCNH2 is on the minus strand). VCF-style: chr7-150951559-C-A. GRCh37 (hg19) VCF-style: chr7-150648647-C-A.
Other names: c.1834G>T (LRG_288t1); c.814G>T, p.Val272Leu (NM_001204798.2, NM_172057.3); c.1546G>T, p.Val516Leu (NM_001406753.1, NM_001406756.1); c.1657G>T, p.Val553Leu (NM_001406755.1); c.1534G>T, p.Val512Leu (NM_001406757.1); c.1834G>T, p.Val612Leu (NM_172056.3); short protein forms V272L, V612L, V516L, V553L, V512L.
Identifiers: ClinVar variation 67291 (VCV000067291.7), dbSNP rs199472943, ClinGen allele CA005634.

ClinVar aggregate classification (germline): Uncertain significance. Review status: criteria provided, single submitter (1 of 4 stars). 2 submissions from 2 submitters: Uncertain significance (1). 1 of the submissions does not count toward it. Last evaluated 2024-12-18.

Conditions:
Familial long QT syndrome (RWS). Also called: Congenital long QT syndrome; Romano-Ward syndrome; VENTRICULAR FIBRILLATION WITH PROLONGED QT INTERVAL. Identifiers: Orphanet 768, MedGen C1141890, MONDO:0019171.
Long QT syndrome (LQTS). Identifiers: MedGen C0023976, MeSH D008133, MONDO:0002442. Disease mechanism: loss of function. Inheritance: Various modes of inheritance.

Allele frequency attached by ClinVar (database versions not stated): gnomAD exomes below 0.00001.

Submissions (2):

Labcorp Genetics (formerly Invitae), Labcorp
Classification: Uncertain significance for Long QT syndrome. Last evaluated: 2024-12-18. Review status: criteria provided, single submitter. Criteria: Invitae Variant Classification Sherloc (09022015). Collection method: clinical testing. Allele origin: germline.
Comment: This sequence change replaces valine, which is neutral and non-polar, with leucine, which is neutral and non-polar, at codon 612 of the KCNH2 protein (p.Val612Leu). This variant is not present in population databases (gnomAD no frequency). This missense change has been observed in individual(s) with long QT syndrome (PMID: 9544837). ClinVar contains an entry for this variant (Variation ID: 67291). An algorithm developed to predict the effect of missense changes on protein structure and function (PolyPhen-2) suggests that this variant is likely to be disruptive. Experimental studies have shown that this missense change affects KCNH2 function (PMID: 11524404, 16432067). In summary, the available evidence is currently insufficient to determine the role of this variant in disease. Therefore, it has been classified as a Variant of Uncertain Significance.

Cardiovascular Biomedical Research Unit, Royal Brompton & Harefield NHS Foundation Trust
No classification provided. Condition: Familial long QT syndrome. Review status: no classification provided. Collection method: literature only. Allele origin: germline. Not counted in ClinVar's aggregate classification.
Comment: This variant has been reported as associated with Long QT syndrome in the following publications (PMID:9544837;PMID:16432067). This is a literature report, and does not necessarily reflect the clinical interpretation of the Imperial College / Royal Brompton Cardiovascular Genetics laboratory.

Literature cited by the submitters: PubMed 9544837 (cited by Labcorp Genetics (formerly Invitae), Labcorp and Cardiovascular Biomedical Research Unit, Royal Brompton & Harefield NHS Foundation Trust); PubMed 11524404 (cited by Labcorp Genetics (formerly Invitae), Labcorp); PubMed 16432067 (cited by Labcorp Genetics (formerly Invitae), Labcorp and Cardiovascular Biomedical Research Unit, Royal Brompton & Harefield NHS Foundation Trust); PubMed 22581653 (cited by Cardiovascular Biomedical Research Unit, Royal Brompton & Harefield NHS Foundation Trust).